The following is an entry in ClinVar:

NM_006796.3(AFG3L2):c.2114T>C (p.Ile705Thr)

Gene: AFG3L2 (AFG3 like matrix AAA peptidase subunit 2; minus strand). Cytogenetic location: 18p11.21.
Variant type: single nucleotide variant.
Coding change: c.2114T>C on transcript NM_006796.3 (MANE Select); coding-DNA position 2114, T replaced by C.
Protein change: p.Ile705Thr; replaces isoleucine 705 with threonine.
Molecular consequence: missense variant.
Genome position (GRCh38, 1-based): chr18:12,337,402, A>G on the plus strand (T>C on the coding strand, the complement: AFG3L2 is on the minus strand). VCF-style: chr18-12337402-A-G. GRCh37 (hg19) VCF-style: chr18-12337401-A-G.
Other names: short protein forms I705T.
Identifiers: ClinVar variation 805327 (VCV000805327.48), dbSNP rs1598820805, ClinGen allele CA401943821.

ClinVar aggregate classification (germline): Conflicting classifications of pathogenicity. Review status: criteria provided, conflicting classifications (1 of 4 stars). 5 submissions from 5 submitters: Likely pathogenic (2); Uncertain significance (3). Last evaluated 2022-04-10.

Conditions:
Spinocerebellar ataxia type 28 (SCA28). Also called: Spinocerebellar Ataxia Type 28 (SCA28). Identifiers: Orphanet 101109, MedGen C1853249, MONDO:0012450, OMIM 610246.
AFG3L2-related disorder. Also called: AFG3L2-related condition.

Allele frequency attached by ClinVar (database versions not stated): gnomAD exomes below 0.00001.
gnomAD v4.1: 3 of 1,614,188 alleles (0.00019%); highest among the groups gnomAD compares: Non-Finnish European, 0.00025%; no homozygotes.

Submissions (5):

GeneDx
Classification: Uncertain significance. Last evaluated: 2022-04-10. Review status: criteria provided, single submitter. Criteria: GeneDx Variant Classification Process June 2021. Collection method: clinical testing. Allele origin: germline. Affected: yes.
Comment: Reported in an adult patient diagnosed with autosomal dominant ataxia and a reported positive family history; specific clinical or family history details were not provide in this report (Perez Maturo et al., 2020); Observed in heterozygous state in unrelated patient who were also heterozygous for a different pathogenic variants in the SPG7 gene (Iqbal et al., 2017; Estiar et al., 201); Not observed in large population cohorts (gnomAD); In silico analysis, which includes protein predictors and evolutionary conservation, supports a deleterious effect; This variant is associated with the following publications: (PMID: 33084218, 33598982, 28362824, 32488064)

Blueprint Genetics
Classification: Likely pathogenic for AFG3L2-related disorders. Last evaluated: 2021-06-03. Review status: criteria provided, single submitter. Criteria: ACMG Guidelines, 2015. Collection method: clinical testing. Allele origin: germline. Affected: yes. Observed: 2 variant alleles.

CeGaT Center for Human Genetics Tuebingen
Classification: Likely pathogenic. Last evaluated: 2019-08-01. Review status: criteria provided, single submitter. Criteria: CeGaT Center For Human Genetics Tuebingen Variant Classification Criteria Version 2. Collection method: clinical testing. Allele origin: germline. Affected: yes. Observed: 1 variant allele.

CENTOGENE GmbH and LLC - Guiding Precision Medicine
Classification: Uncertain significance for Spinocerebellar ataxia type 28. Last evaluated: 2019-07-16. Review status: criteria provided, single submitter. Criteria: ACMG Guidelines, 2015. Collection method: clinical testing. Allele origin: germline. Affected: yes.

Athena Diagnostics
Classification: Uncertain significance. Last evaluated: 2018-10-02. Review status: criteria provided, single submitter. Criteria: Athena Diagnostics Criteria. Collection method: clinical testing. Allele origin: germline.